The following is an entry in ClinVar:

ClinVar aggregate classification (germline): Uncertain significance. Review status: criteria provided, multiple submitters, no conflicts (2 of 4 stars). 2 submissions from 2 submitters: Uncertain significance (2). Last evaluated 2024-07-16.

Conditions:
Inborn genetic diseases. Identifiers: MedGen C0950123, MeSH D030342.

Allele frequency attached by ClinVar (database versions not stated): gnomAD 0.00001; TOPMed 0.00001; ExAC 0.00002; gnomAD exomes 0.00002.
gnomAD v4.1: 28 of 1,607,976 alleles (0.0017%); highest among the groups gnomAD compares: Non-Finnish European, 0.0024%; no homozygotes.

Submissions (2):

Labcorp Genetics (formerly Invitae), Labcorp
Classification: Uncertain significance. Last evaluated: 2024-07-16. Review status: criteria provided, single submitter. Criteria: Invitae Variant Classification Sherloc (09022015). Collection method: clinical testing. Allele origin: germline.
Comment: This sequence change replaces lysine, which is basic and polar, with glutamic acid, which is acidic and polar, at codon 191 of the SLC39A8 protein (p.Lys191Glu). This variant is present in population databases (rs776706999, gnomAD 0.004%). This variant has not been reported in the literature in individuals affected with SLC39A8-related conditions. ClinVar contains an entry for this variant (Variation ID: 2406209). Advanced modeling of protein sequence and biophysical properties (such as structural, functional, and spatial information, amino acid conservation, physicochemical variation, residue mobility, and thermodynamic stability) performed at Invitae indicates that this missense variant is not expected to disrupt SLC39A8 protein function with a negative predictive value of 80%. In summary, the available evidence is currently insufficient to determine the role of this variant in disease. Therefore, it has been classified as a Variant of Uncertain Significance.

Ambry Genetics
Classification: Uncertain significance for Inborn genetic diseases. Last evaluated: 2021-03-07. Review status: criteria provided, single submitter. Criteria: Ambry Variant Classification Scheme 2023. Collection method: clinical testing. Allele origin: germline.

NM_001135146.2(SLC39A8):c.571A>G (p.Lys191Glu)

Gene: SLC39A8 (solute carrier family 39 member 8; minus strand). Cytogenetic location: 4q24.
Variant type: single nucleotide variant.
Coding change: c.571A>G on transcript NM_001135146.2 (MANE Select); coding-DNA position 571, A replaced by G.
Protein change: p.Lys191Glu; replaces lysine 191 with glutamic acid.
Molecular consequence: missense variant.
Genome position (GRCh38, 1-based): chr4:102,305,093, T>C on the plus strand (A>G on the coding strand, the complement: SLC39A8 is on the minus strand). VCF-style: chr4-102305093-T-C. GRCh37 (hg19) VCF-style: chr4-103226250-T-C.
Other names: c.571A>G, p.Lys191Glu (NM_001135147.1, NM_022154.5); c.370A>G, p.Lys124Glu (NM_001135148.2); short protein forms K124E, K191E.
Identifiers: ClinVar variation 2406209 (VCV002406209.3), dbSNP rs776706999, ClinGen allele CA3025625.